The following is an entry in ClinVar:

ClinVar aggregate classification (germline): Pathogenic (0 of 4 stars; one submission).

Conditions:
Intellectual disability. Also called: Intellectual functioning disability; Intellectual developmental disorder; intellectual disabilities. Identifiers: MedGen C3714756, MeSH D008607, MONDO:0001071, HP:0001249.

Submission:

Biological Sciences, International Islamic University, Islamabad
Classification: Pathogenic for Intellectual disability. Last evaluated: 2019-08-15. Review status: no assertion criteria provided. Collection method: clinical testing. Allele origin: de novo. Inheritance: Autosomal recessive inheritance. Affected: yes. Observed: 1 homozygote.
Comment: This gene encodes a member of the Slitrk family of structurally related transmembrane proteins that are involved in controlling neurite outgrowth. The encoded protein contains two leucine-rich repeats (LRR) domains and a C-terminal domain that is partially similar to Trk neurotrophin receptor protein. SLITRK3 molecules help neurotransmitter movement from the presynaptic neuron to post synaptic neurons. Mutation in the SLITK3 gene or protein may halt the binding of tyrosine phosphates with SLITRK3 which leads to the dysfunctioning of neurotransmitters.

NM_001318810.2(SLITRK3):c.1816G>T (p.Glu606Ter)

Gene: SLITRK3 (SLIT and NTRK like family member 3; minus strand). Cytogenetic location: 3q26.1.
Variant type: single nucleotide variant.
Coding change: c.1816G>T on transcript NM_001318810.2 (MANE Select); coding-DNA position 1816, G replaced by T.
Protein change: p.Glu606Ter; replaces glutamic acid 606 with a stop codon.
Molecular consequence: nonsense.
Genome position (GRCh38, 1-based): chr3:165,189,015, C>A on the plus strand (G>T on the coding strand, the complement: SLITRK3 is on the minus strand). VCF-style: chr3-165189015-C-A. GRCh37 (hg19) VCF-style: chr3-164906803-C-A.
Other names: c.1816G>T, p.Glu606Ter (NM_001318811.2, NM_014926.4); short protein forms E606*.
Identifiers: ClinVar variation 930212 (VCV000930212.3), dbSNP rs756582449, ClinGen allele CA355104979.
Genomic context (GRCh38, chr3:165,189,015, plus strand): 5'-GGGCTGGGGATTCTCCAGCTGGTGCAACGTGCAGCATCTCTGGGCAAAGAACTTCCAGCT[C>A]AATAGTGCGCACATCACGGTGCGTGAGGTTCTCAGGGCTCCTGCAAAGCACATCACCAAC-3'